The following is an entry in ClinVar:

NM_001267550.2(TTN):c.91840G>A (p.Val30614Met)

Genes: TTN (titin; minus strand), TTN-AS1 (TTN antisense RNA 1; plus strand). Cytogenetic location: 2q31.2.
Variant type: single nucleotide variant.
Coding change: c.91840G>A on transcript NM_001267550.2 (MANE Select); coding-DNA position 91840, G replaced by A.
Protein change: p.Val30614Met; replaces valine 30614 with methionine.
Molecular consequence: missense variant.
Genome position (GRCh38, 1-based): chr2:178,549,998, C>T on the plus strand (G>A on the coding strand, the complement: TTN is on the minus strand). VCF-style: chr2-178549998-C-T. GRCh37 (hg19) VCF-style: chr2-179414725-C-T.
Other names: c.86917G>A, p.Val28973Met (NM_001256850.1); c.64645G>A, p.Val21549Met (NM_003319.4); c.84136G>A, p.Val28046Met (NM_133378.4); c.65020G>A, p.Val21674Met (NM_133432.3); c.65221G>A, p.Val21741Met (NM_133437.4); short protein forms V21674M, V21741M, V28046M, V28973M, V30614M, V21549M.
Identifiers: ClinVar variation 4820414 (VCV004820414.1), dbSNP rs781781702.

ClinVar aggregate classification (germline): Likely benign (1 of 4 stars; one submission).

gnomAD v4.1: 4 of 1,607,954 alleles (0.00025%); highest among the groups gnomAD compares: Non-Finnish European, 0.00034%; no homozygotes.

Submission:

Molecular Diagnostic Laboratory for Inherited Cardiovascular Disease, Montreal Heart Institute
Classification: Likely benign. Last evaluated: 2026-03-27. Review status: criteria provided, single submitter. Criteria: ACMG Guidelines, 2015. Collection method: clinical testing. Allele origin: germline. Affected: no.
Comment: BP1